The following is an entry in ClinVar:

ClinVar aggregate classification (germline): Uncertain significance (1 of 4 stars; one submission).

Conditions:
Autoimmune enteropathy and endocrinopathy - susceptibility to chronic infections syndrome. Also called: Immunodeficiency 31C, autosomal dominant; Immunodeficiency 31C. Identifiers: Orphanet 391487, MedGen C3279990, MONDO:0013599, OMIM 614162.
Mendelian susceptibility to mycobacterial diseases due to partial STAT1 deficiency. Also called: IMMUNODEFICIENCY 31A, MYCOBACTERIOSIS, AUTOSOMAL DOMINANT; STAT1 DEFICIENCY, AUTOSOMAL DOMINANT; Immunodeficiency 31a. Identifiers: Orphanet 319595, MedGen C4013950, MONDO:0013956, OMIM 614892.
Immunodeficiency 31B. Also called: STAT1 DEFICIENCY, AUTOSOMAL RECESSIVE; IMMUNODEFICIENCY 31B, MYCOBACTERIAL AND VIRAL INFECTIONS, AUTOSOMAL RECESSIVE. Identifiers: Orphanet 391311, MedGen C3151088, MONDO:0013427, OMIM 613796.

Submission:

Labcorp Genetics (formerly Invitae), Labcorp
Classification: Uncertain significance for Mendelian susceptibility to mycobacterial diseases due to partial STAT1 deficiency; Immunodeficiency 31B; Autoimmune enteropathy and endocrinopathy - susceptibility to chronic infections syndrome. Last evaluated: 2022-02-10. Review status: criteria provided, single submitter. Criteria: Invitae Variant Classification Sherloc (09022015). Collection method: clinical testing. Allele origin: germline.
Comment: In summary, the available evidence is currently insufficient to determine the role of this variant in disease. Therefore, it has been classified as a Variant of Uncertain Significance. Algorithms developed to predict the effect of missense changes on protein structure and function are either unavailable or do not agree on the potential impact of this missense change (SIFT: "Deleterious"; PolyPhen-2: "Possibly Damaging"; Align-GVGD: "Class C0"). ClinVar contains an entry for this variant (Variation ID: 663843). This missense change has been observed in individual(s) with clinical features of STAT1-related conditions (PMID: 31686315). This variant is not present in population databases (gnomAD no frequency). This sequence change replaces aspartic acid, which is acidic and polar, with asparagine, which is neutral and polar, at codon 65 of the STAT1 protein (p.Asp65Asn).

Literature cited by the submitters: PubMed 31686315.

NM_007315.4(STAT1):c.193G>A (p.Asp65Asn)

Gene: STAT1 (signal transducer and activator of transcription 1; minus strand). Cytogenetic location: 2q32.2.
Variant type: single nucleotide variant.
Coding change: c.193G>A on transcript NM_007315.4 (MANE Select); coding-DNA position 193, G replaced by A.
Protein change: p.Asp65Asn; replaces aspartic acid 65 with asparagine.
Molecular consequence: missense variant.
Genome position (GRCh38, 1-based): chr2:191,009,043, C>T on the plus strand (G>A on the coding strand, the complement: STAT1 is on the minus strand). VCF-style: chr2-191009043-C-T. GRCh37 (hg19) VCF-style: chr2-191873769-C-T.
Other names: c.193G>A, p.Asp65Asn (NM_001384880.1, NM_001384882.1, NM_001384883.1 and 7 more transcripts); c.199G>A, p.Asp67Asn (NM_001384881.1, NM_001384884.1); c.229G>A, p.Asp77Asn (NM_001384891.1); short protein forms D65N, D67N, D77N.
Identifiers: ClinVar variation 663843 (VCV000663843.8), dbSNP rs1574672739, ClinGen allele CA349928018.